The following is an entry in ClinVar:

ClinVar aggregate classification (germline): Uncertain significance. Review status: criteria provided, multiple submitters, no conflicts (2 of 4 stars). 2 submissions from 2 submitters: Uncertain significance (2). Last evaluated 2022-12-27.

Allele frequency attached by ClinVar (database versions not stated): gnomAD exomes 0.00001; TOPMed 0.00001; ExAC 0.00002.
gnomAD v4.1: 16 of 1,614,188 alleles (0.00099%); highest among the groups gnomAD compares: Non-Finnish European, 0.0014%; no homozygotes.

Submissions (2):

Labcorp Genetics (formerly Invitae), Labcorp
Classification: Uncertain significance. Last evaluated: 2022-12-27. Review status: criteria provided, single submitter. Criteria: Invitae Variant Classification Sherloc (09022015). Collection method: clinical testing. Allele origin: germline.
Comment: This sequence change replaces glutamic acid, which is acidic and polar, with aspartic acid, which is acidic and polar, at codon 107 of the PDYN protein (p.Glu107Asp). This variant is present in population databases (rs761883755, gnomAD 0.003%). This variant has not been reported in the literature in individuals affected with PDYN-related conditions. ClinVar contains an entry for this variant (Variation ID: 1256314). Advanced modeling of protein sequence and biophysical properties (such as structural, functional, and spatial information, amino acid conservation, physicochemical variation, residue mobility, and thermodynamic stability) performed at Invitae indicates that this missense variant is not expected to disrupt PDYN protein function. In summary, the available evidence is currently insufficient to determine the role of this variant in disease. Therefore, it has been classified as a Variant of Uncertain Significance.

Athena Diagnostics
Classification: Uncertain significance. Last evaluated: 2020-09-23. Review status: criteria provided, single submitter. Criteria: Athena Diagnostics criteria. Collection method: clinical testing. Allele origin: unknown.

NM_024411.5(PDYN):c.321G>T (p.Glu107Asp)

Genes: PDYN (prodynorphin; minus strand), PDYN-AS1 (PDYN antisense RNA 1; plus strand). Cytogenetic location: 20p13.
Variant type: single nucleotide variant.
Coding change: c.321G>T on transcript NM_024411.5 (MANE Select); coding-DNA position 321, G replaced by T.
Protein change: p.Glu107Asp; replaces glutamic acid 107 with aspartic acid.
Molecular consequence: missense variant.
Genome position (GRCh38, 1-based): chr20:1,980,767, C>A on the plus strand (G>T on the coding strand, the complement: PDYN is on the minus strand). VCF-style: chr20-1980767-C-A. GRCh37 (hg19) VCF-style: chr20-1961413-C-A.
Other names: c.321G>T, p.Glu107Asp (NM_001190892.1, NM_001190898.3, NM_001190899.2 and 1 more transcripts); short protein forms E107D.
Identifiers: ClinVar variation 1256314 (VCV001256314.4), dbSNP rs761883755, ClinGen allele CA9730316.